The following is an entry in ClinVar:

NM_003072.5(SMARCA4):c.4533+9G>A

Gene: SMARCA4 (SWI/SNF related BAF chromatin remodeling complex subunit ATPase 4; plus strand). Cytogenetic location: 19p13.2.
Variant type: single nucleotide variant.
Coding change: c.4533+9G>A on transcript NM_003072.5 (MANE Select); 9 bases into the intron after coding-DNA position 4533, G replaced by A.
Molecular consequence: intron variant.
Genome position (GRCh38, 1-based): chr19:11,058,372, G>A. VCF-style: chr19-11058372-G-A. GRCh37 (hg19) VCF-style: chr19-11169048-G-A.
Other names: c.4533+9G>A (NM_001128844.3); c.4629+9G>A (NM_001128849.3, NM_001387283.1); c.4434+9G>A (NM_001128847.4, NM_001374457.1); c.4530+9G>A (NM_001411150.1); c.4443+9G>A (NM_001128845.2); c.4440+9G>A (NM_001128846.2); c.4431+9G>A (NM_001128848.2).
Identifiers: ClinVar variation 5042097 (VCV005042097.1).

ClinVar aggregate classification (germline): Likely benign (1 of 4 stars; one submission).

Conditions:
Rhabdoid tumor predisposition syndrome 2 (RTPS2). Identifiers: Orphanet 231108, Orphanet 69077, MedGen C2750074, MONDO:0013224, OMIM 613325.

gnomAD v4.1: 1 of 1,581,516 alleles (0.000063%); no homozygotes.

Submission:

Myriad Genetics, Inc.
Classification: Likely benign for Rhabdoid tumor predisposition syndrome 2. Last evaluated: 2026-07-08. Review status: criteria provided, single submitter. Criteria: Myriad Autosomal Dominant, Autosomal Recessive and X-Linked Classification Criteria (2023). Collection method: clinical testing. Allele origin: unknown.
Comment: This variant is considered likely benign. This variant is intronic and is not expected to impact mRNA splicing.